The following is an entry in ClinVar:

NM_001136193.2(FASTKD2):c.601C>T (p.Arg201Cys)

Gene: FASTKD2 (FAST kinase domains 2; plus strand). Cytogenetic location: 2q33.3.
Variant type: single nucleotide variant.
Coding change: c.601C>T on transcript NM_001136193.2 (MANE Select); coding-DNA position 601, C replaced by T.
Protein change: p.Arg201Cys; replaces arginine 201 with cysteine.
Molecular consequence: missense variant.
Genome position (GRCh38, 1-based): chr2:206,767,294, C>T. VCF-style: chr2-206767294-C-T. GRCh37 (hg19) VCF-style: chr2-207632018-C-T.
Other names: c.601C>T, p.Arg201Cys (NM_001136194.2, NM_014929.4); short protein forms R201C.
Identifiers: ClinVar variation 1349778 (VCV001349778.11), dbSNP rs750930063, ClinGen allele CA2074907.
Genomic context (GRCh38, chr2:206,767,294, plus strand): 5'-AGTAGCAACTATTTCACAGCAATGTGGACAATTGCCAAAAGACTGTCTGATGACCAGAAG[C>T]GCTTTGAAAAACGACTGATGTTTAGCCACCCTGCATTTAATCAGCTCTGTGAACATATGA-3'
Protein context (NP_001129665.1, residues 191-211): IAKRLSDDQK[Arg201Cys]FEKRLMFSHP

ClinVar aggregate classification (germline): Uncertain significance. Review status: criteria provided, multiple submitters, no conflicts (2 of 4 stars). 4 submissions from 4 submitters: Uncertain significance (4). Last evaluated 2024-05-02.

Conditions:
Combined oxidative phosphorylation deficiency 44. Also called: FASTKD2-Related Combined Oxidative Phosphorylation Deficiency. Identifiers: MedGen C5394293, MONDO:0030020, OMIM 618855.
Inborn genetic diseases. Identifiers: MedGen C0950123, MeSH D030342.

Allele frequency attached by ClinVar (database versions not stated): ExAC 0.00002; gnomAD exomes 0.00002 and 0.00004; TOPMed 0.00003; gnomAD 0.00004.
gnomAD v4.1: 71 of 1,614,038 alleles (0.0044%); highest among the groups gnomAD compares: Non-Finnish European, 0.0053%; no homozygotes.

Submissions (4):

Fulgent Genetics
Classification: Uncertain significance for Combined oxidative phosphorylation deficiency 44. Last evaluated: 2024-05-02. Review status: criteria provided, single submitter. Criteria: ACMG Guidelines, 2015. Collection method: clinical testing. Allele origin: germline.

Labcorp Genetics (formerly Invitae), Labcorp
Classification: Uncertain significance. Last evaluated: 2022-11-22. Review status: criteria provided, single submitter. Criteria: Invitae Variant Classification Sherloc (09022015). Collection method: clinical testing. Allele origin: germline.
Comment: In summary, the available evidence is currently insufficient to determine the role of this variant in disease. Therefore, it has been classified as a Variant of Uncertain Significance. Advanced modeling of protein sequence and biophysical properties (such as structural, functional, and spatial information, amino acid conservation, physicochemical variation, residue mobility, and thermodynamic stability) performed at Invitae indicates that this missense variant is not expected to disrupt FASTKD2 protein function. ClinVar contains an entry for this variant (Variation ID: 1349778). This variant has not been reported in the literature in individuals affected with FASTKD2-related conditions. This variant is present in population databases (rs750930063, gnomAD 0.005%). This sequence change replaces arginine, which is basic and polar, with cysteine, which is neutral and slightly polar, at codon 201 of the FASTKD2 protein (p.Arg201Cys).

Ambry Genetics
Classification: Uncertain significance for Inborn genetic diseases. Last evaluated: 2022-10-06. Review status: criteria provided, single submitter. Criteria: Ambry Variant Classification Scheme 2023. Collection method: clinical testing. Allele origin: germline.

GeneDx
Classification: Uncertain significance. Last evaluated: 2022-07-29. Review status: criteria provided, single submitter. Criteria: GeneDx Variant Classification Process June 2021. Collection method: clinical testing. Allele origin: germline. Affected: yes.
Comment: Not observed at significant frequency in large population cohorts (gnomAD); In silico analysis supports that this missense variant has a deleterious effect on protein structure/function; Has not been previously published as pathogenic or benign to our knowledge